The following is an entry in ClinVar:

ClinVar aggregate classification (germline): Likely benign (0 of 4 stars; one submission).

Conditions:
NPC1-related disorder. Also called: NPC1-related condition.

Submission:

PreventionGenetics, part of Exact Sciences
Classification: Likely benign for NPC1-related condition. Last evaluated: 2022-08-26. Review status: no assertion criteria provided. Collection method: clinical testing. Allele origin: germline.
Comment: This variant is classified as likely benign based on ACMG/AMP sequence variant interpretation guidelines (Richards et al. 2015 PMID: 25741868, with internal and published modifications).

NM_000271.5(NPC1):c.464-4C>T

Gene: NPC1 (NPC intracellular cholesterol transporter 1; minus strand). Cytogenetic location: 18q11.2.
Variant type: single nucleotide variant.
Coding change: c.464-4C>T on transcript NM_000271.5 (MANE Select); 4 bases into the intron before coding-DNA position 464, C replaced by T.
Molecular consequence: intron variant.
Genome position (GRCh38, 1-based): chr18:23,561,531, G>A on the plus strand (C>T on the coding strand, the complement: NPC1 is on the minus strand). VCF-style: chr18-23561531-G-A. GRCh37 (hg19) VCF-style: chr18-21141495-G-A.
Identifiers: ClinVar variation 3043838 (VCV003043838.2), dbSNP rs1343527083, ClinGen allele CA2740093970.